The following is an entry in ClinVar:

ClinVar aggregate classification (germline): Pathogenic. Review status: criteria provided, multiple submitters, no conflicts (2 of 4 stars). 2 submissions from 2 submitters: Pathogenic (2). Last evaluated 2024-04-10.

Submissions (2):

Labcorp Genetics (formerly Invitae), Labcorp
Classification: Pathogenic. Last evaluated: 2024-04-10. Review status: criteria provided, single submitter. Criteria: Invitae Variant Classification Sherloc (09022015). Collection method: clinical testing. Allele origin: germline.
Comment: This sequence change creates a premature translational stop signal (p.His1903Argfs*12) in the KMT2A gene. It is expected to result in an absent or disrupted protein product. Loss-of-function variants in KMT2A are known to be pathogenic (PMID: 22795537, 25810209, 29574747). This variant is not present in population databases (gnomAD no frequency). This variant has not been reported in the literature in individuals affected with KMT2A-related conditions. ClinVar contains an entry for this variant (Variation ID: 2000653). For these reasons, this variant has been classified as Pathogenic.

Illumina Laboratory Services, Illumina
Classification: Pathogenic. Last evaluated: 2022-11-09. Review status: criteria provided, single submitter. Criteria: ICSL CNVClassificationCriteria Aug2020. Collection method: clinical testing. Allele origin: unknown. Affected: yes.
Comment: The KMT2A c.5708_5709del (p.His1903ArgfsTer12) variant results in the deletion of a nucleotide at position c. 5708, causing a shift in the protein reading frame that is predicted to result in premature termination of the protein. Loss of normal protein function through either protein truncation or nonsense-mediated mRNA decay is expected. To our knowledge, this variant has not been reported in the peer-reviewed literature. This variant is not found in version 2.1.1 or version 3.1.2 of the Genome Aggregation Database. This variant was identified in a de novo state. Based on the available evidence, the c.5708_5709del (p.His1903ArgfsTer12) variant is classified as pathogenic for Wiedemann-Steiner syndrome.

Literature cited by the submitters: PubMed 22795537 (cited by Labcorp Genetics (formerly Invitae), Labcorp); PubMed 25810209 (cited by Labcorp Genetics (formerly Invitae), Labcorp); PubMed 29574747 (cited by Labcorp Genetics (formerly Invitae), Labcorp).

NM_001197104.2(KMT2A):c.5708_5709del (p.His1903fs)

Gene: KMT2A (lysine methyltransferase 2A; plus strand). Cytogenetic location: 11q23.3.
Variant type: Deletion.
Coding change: c.5708_5709del on transcript NM_001197104.2 (MANE Select); coding-DNA positions 5708 to 5709, 2 bases deleted (AT; older notation c.5708_5709delAT).
Protein change: p.His1903fs; shifts the reading frame from histidine 1903.
Molecular consequence: frameshift variant.
Genome position (GRCh38, 1-based): chr11:118,497,979-118,497,980, AT deleted. VCF-style (leftmost placement, unchanged base first): chr11-118497978-CAT-C. GRCh37 (hg19) VCF-style: chr11-118368693-CAT-C.
Other names: c.5798_5799delAT, p.His1933Argfs (NM_001412597.1); c.5699_5700del, p.His1900fs (NM_005933.4); short protein forms H1903fs, H1900fs.
Identifiers: ClinVar variation 2000653 (VCV002000653.7), dbSNP rs2496957153, ClinGen allele CA2580083713.